The following is an entry in ClinVar:

ClinVar aggregate classification (germline): Uncertain significance (1 of 4 stars; one submission).

Conditions:
KDM6A-related disorder. Also called: KDM6A-related condition.

Submission:

PreventionGenetics, part of Exact Sciences
Classification: Uncertain significance for KDM6A-related condition. Last evaluated: 2025-07-30. Review status: criteria provided, single submitter. Criteria: ACMG Guidelines, 2015. Collection method: clinical testing. Allele origin: germline.
Comment: The KDM6A c.1012T>G variant is predicted to result in the amino acid substitution p.Leu338Val. To our knowledge, this variant has not been reported in the literature or in a large population database (gnomAD), indicating this variant is rare. At this time, the clinical significance of this variant is uncertain due to the absence of conclusive functional and genetic evidence.

NM_001291415.2(KDM6A):c.1012T>G (p.Leu338Val)

Gene: KDM6A (lysine demethylase 6A; plus strand). Cytogenetic location: Xp11.3.
Variant type: single nucleotide variant.
Coding change: c.1012T>G on transcript NM_001291415.2 (MANE Select); coding-DNA position 1012, T replaced by G.
Protein change: p.Leu338Val; replaces leucine 338 with valine.
Molecular consequence: missense variant. On other transcripts: non-coding transcript variant (1).
Genome position (GRCh38, 1-based): chrX:45,059,284, T>G. VCF-style: chrX-45059284-T-G. GRCh37 (hg19) VCF-style: chrX-44918529-T-G.
Other names: c.1012T>G, p.Leu338Val (NM_001291416.2, NM_001291417.2, NM_001291418.2 and 9 more transcripts); c.259T>G, p.Leu87Val (NM_001291421.2); short protein forms L338V, L87V.
Identifiers: ClinVar variation 4998657 (VCV004998657.1).